The following is an entry in ClinVar:

ClinVar aggregate classification (germline): Uncertain significance (1 of 4 stars; one submission).

Conditions:
Inborn genetic diseases. Identifiers: MedGen C0950123, MeSH D030342.

Submission:

Ambry Genetics
Classification: Uncertain significance for Inborn genetic diseases. Last evaluated: 2025-04-28. Review status: criteria provided, single submitter. Criteria: Ambry Variant Classification Scheme 2023. Collection method: clinical testing. Allele origin: germline.
Comment: The p.K821N variant (also known as c.2463G>C), located in coding exon 1 of the SAMD9 gene, results from a G to C substitution at nucleotide position 2463. The lysine at codon 821 is replaced by asparagine, an amino acid with similar properties. This amino acid position is conserved. In addition, this alteration is predicted to be tolerated by in silico analysis. Based on the available evidence, the clinical significance of this variant remains unclear.

NM_017654.4(SAMD9):c.2463G>C (p.Lys821Asn)

Gene: SAMD9 (sterile alpha motif domain containing 9; minus strand). Cytogenetic location: 7q21.2.
Variant type: single nucleotide variant.
Coding change: c.2463G>C on transcript NM_017654.4 (MANE Select); coding-DNA position 2463, G replaced by C.
Protein change: p.Lys821Asn; replaces lysine 821 with asparagine.
Molecular consequence: missense variant.
Genome position (GRCh38, 1-based): chr7:93,103,635, C>G on the plus strand (G>C on the coding strand, the complement: SAMD9 is on the minus strand). VCF-style: chr7-93103635-C-G. GRCh37 (hg19) VCF-style: chr7-92732948-C-G.
Other names: c.2463G>C, p.Lys821Asn (NM_001193307.2); short protein forms K821N.
Identifiers: ClinVar variation 3949591 (VCV003949591.1).